The following is an entry in ClinVar:

ClinVar aggregate classification (germline): Uncertain significance. Review status: criteria provided, multiple submitters, no conflicts (2 of 4 stars). 5 submissions from 5 submitters: Uncertain significance (5). Last evaluated 2025-12-24.

Conditions:
Malignant tumor of urinary bladder. Also called: Urinary Bladder Neoplasms; Bladder cancer; Urinary bladder cancer. Identifiers: MedGen C0005684, MONDO:0001187, OMIM 109800.
Retinoblastoma (RB1). Also called: RETINOBLASTOMA, SOMATIC. Identifiers: Orphanet 790, MedGen C0035335, MeSH D012175, MONDO:0008380, OMIM 180200, HP:0009919. Disease mechanism: loss of function. Inheritance: Both sporadic and heritable forms are tested..
Hereditary cancer-predisposing syndrome. Also called: Tumor predisposition; Hereditary Cancer Syndrome; Hereditary neoplastic syndrome; Neoplastic Syndromes, Hereditary. Identifiers: Orphanet 140162, MedGen C0027672, MeSH D009386, MONDO:0015356.

Allele frequency attached by ClinVar (database versions not stated): TOPMed 0.00001.
gnomAD v4.1: 1 of 1,565,108 alleles (0.000064%); highest among the groups gnomAD compares: Admixed American, 0.0018%; no homozygotes.

Submissions (5):

Labcorp Genetics (formerly Invitae), Labcorp
Classification: Uncertain significance for Retinoblastoma. Last evaluated: 2025-12-24. Review status: criteria provided, single submitter. Criteria: Invitae Variant Classification Sherloc (09022015). Collection method: clinical testing. Allele origin: germline.
Comment: This sequence change replaces isoleucine, which is neutral and non-polar, with leucine, which is neutral and non-polar, at codon 297 of the RB1 protein (p.Ile297Leu). The frequency data for this variant in the population databases is considered unreliable, as metrics indicate poor data quality at this position in the gnomAD database. This variant has not been reported in the literature in individuals affected with RB1-related conditions. ClinVar contains an entry for this variant (Variation ID: 1443136). Invitae Evidence Modeling of protein sequence and biophysical properties (such as structural, functional, and spatial information, amino acid conservation, physicochemical variation, residue mobility, and thermodynamic stability) indicates that this missense variant is not expected to disrupt RB1 protein function with a negative predictive value of 80%. In summary, the available evidence is currently insufficient to determine the role of this variant in disease. Therefore, it has been classified as a Variant of Uncertain Significance.

Ambry Genetics
Classification: Uncertain significance for Hereditary cancer-predisposing syndrome. Last evaluated: 2025-08-05. Review status: criteria provided, single submitter. Criteria: Ambry Variant Classification Scheme 2023. Collection method: clinical testing. Allele origin: germline.

Color Diagnostics, LLC DBA Color Health
Classification: Uncertain significance for Retinoblastoma. Last evaluated: 2024-03-06. Review status: criteria provided, single submitter. Criteria: ACMG Guidelines, 2015. Collection method: clinical testing. Allele origin: germline.
Comment: This missense variant replaces isoleucine with leucine at codon 297 of the RB1 protein. Computational prediction suggests that this variant may not impact protein structure and function. To our knowledge, functional studies have not been reported for this variant. This variant has not been reported in individuals affected with RB1-related disorders in the literature. This variant has not been identified in the general population by the Genome Aggregation Database (gnomAD). The available evidence is insufficient to determine the role of this variant in disease conclusively. Therefore, this variant is classified as a Variant of Uncertain Significance.

Baylor Genetics
Classification: Uncertain significance for Malignant tumor of urinary bladder. Last evaluated: 2023-10-09. Review status: criteria provided, single submitter. Criteria: ACMG Guidelines, 2015. Collection method: clinical testing. Allele origin: unknown.

All of Us Research Program, National Institutes of Health
Classification: Uncertain significance for Retinoblastoma. Last evaluated: 2023-05-16. Review status: criteria provided, single submitter. Criteria: ACMG Guidelines, 2015. Collection method: clinical testing. Allele origin: germline. Inheritance: Autosomal dominant inheritance. Observed: 1 variant allele, 1 heterozygote.
Comment: This missense variant replaces isoleucine with leucine at codon 297 of the RB1 protein. Computational prediction suggests that this variant may not impact protein structure and function (internally defined REVEL score threshold <= 0.5, PMID: 27666373). To our knowledge, functional studies have not been reported for this variant. This variant has not been reported in individuals affected with RB1-related disorders in the literature. This variant has not been identified in the general population by the Genome Aggregation Database (gnomAD). The available evidence is insufficient to determine the role of this variant in disease conclusively. Therefore, this variant is classified as a Variant of Uncertain Significance.

This study involves interpretation of variants in research participants for the purpose of population health screening. Participant phenotype was not available at the time of variant classification. Additional details can be found in publication PMID: 35346344, PMCID: PMC8962531

NM_000321.3(RB1):c.889A>T (p.Ile297Leu)

Gene: RB1 (RB transcriptional corepressor 1; plus strand). Cytogenetic location: 13q14.2.
Variant type: single nucleotide variant.
Coding change: c.889A>T on transcript NM_000321.3 (MANE Select); coding-DNA position 889, A replaced by T.
Protein change: p.Ile297Leu; replaces isoleucine 297 with leucine.
Molecular consequence: missense variant.
Genome position (GRCh38, 1-based): chr13:48,364,921, A>T. VCF-style: chr13-48364921-A-T. GRCh37 (hg19) VCF-style: chr13-48939057-A-T.
Other names: short protein forms I297L.
Identifiers: ClinVar variation 1443136 (VCV001443136.14), dbSNP rs1286975378, ClinGen allele CA388159934.